The following is an entry in ClinVar:

NM_005751.5(AKAP9):c.3298A>C (p.Asn1100His)

Gene: AKAP9 (A-kinase anchoring protein 9; plus strand). Cytogenetic location: 7q21.2.
Variant type: single nucleotide variant.
Coding change: c.3298A>C on transcript NM_005751.5 (MANE Select); coding-DNA position 3298, A replaced by C.
Protein change: p.Asn1100His; replaces asparagine 1100 with histidine.
Molecular consequence: missense variant.
Genome position (GRCh38, 1-based): chr7:92,003,215, A>C. VCF-style: chr7-92003215-A-C. GRCh37 (hg19) VCF-style: chr7-91632529-A-C.
Other names: c.3298A>C, p.Asn1100His (NM_147185.3); short protein forms N1100H.
Identifiers: ClinVar variation 1729903 (VCV001729903.8), dbSNP rs1360525453, ClinGen allele CA368126774.

ClinVar aggregate classification (germline): Uncertain significance. Review status: criteria provided, multiple submitters, no conflicts (2 of 4 stars). 2 submissions from 2 submitters: Uncertain significance (2). Last evaluated 2024-10-06.

Conditions:
Cardiovascular phenotype. Identifiers: MedGen CN230736.
Long QT syndrome (LQTS). Identifiers: MedGen C0023976, MeSH D008133, MONDO:0002442. Disease mechanism: loss of function. Inheritance: Various modes of inheritance.

Allele frequency attached by ClinVar (database versions not stated): TOPMed below 0.00001; gnomAD exomes 0.00001.
gnomAD v4.1: 21 of 1,601,500 alleles (0.0013%); highest among the groups gnomAD compares: Non-Finnish European, 0.0017%; no homozygotes.

Submissions (2):

Ambry Genetics
Classification: Uncertain significance for Cardiovascular phenotype. Last evaluated: 2024-10-06. Review status: criteria provided, single submitter. Criteria: Ambry Variant Classification Scheme 2023. Collection method: clinical testing. Allele origin: germline.

Labcorp Genetics (formerly Invitae), Labcorp
Classification: Uncertain significance for Long QT syndrome. Last evaluated: 2023-12-05. Review status: criteria provided, single submitter. Criteria: Invitae Variant Classification Sherloc (09022015). Collection method: clinical testing. Allele origin: germline.
Comment: This sequence change replaces asparagine, which is neutral and polar, with histidine, which is basic and polar, at codon 1100 of the AKAP9 protein (p.Asn1100His). This variant is present in population databases (no rsID available, gnomAD 0.002%). This variant has not been reported in the literature in individuals affected with AKAP9-related conditions. ClinVar contains an entry for this variant (Variation ID: 1729903). Algorithms developed to predict the effect of missense changes on protein structure and function output the following: SIFT: "Not Available"; PolyPhen-2: "Benign"; Align-GVGD: "Not Available". The histidine amino acid residue is found in multiple mammalian species, which suggests that this missense change does not adversely affect protein function. In summary, the available evidence is currently insufficient to determine the role of this variant in disease. Therefore, it has been classified as a Variant of Uncertain Significance.